The following is an entry in ClinVar:

ClinVar aggregate classification (germline): Likely pathogenic (1 of 4 stars; one submission).

Submission:

GeneDx
Classification: Likely pathogenic. Last evaluated: 2017-01-04. Review status: criteria provided, single submitter. Criteria: GeneDx Variant Classification (06012015). Collection method: clinical testing. Allele origin: germline. Affected: yes.
Comment: The A92T variant in the IFIH1 gene has not been reported previously as a pathogenic variant, nor asa benign variant, to our knowledge. The A92T variant was not observed in approximately 6500individuals of European and African American ancestry in the NHLBI Exome Sequencing Project,indicating it is not a common benign variant in these populations. The A92T variant is anon-conservative amino acid substitution, which is likely to impact secondary protein structure asthese residues differ in polarity, charge, size and/or other properties. This substitution occurs at aposition that is conserved in mammals and in silico analysis predicts this variant is probably damagingto the protein structure/function. The A92T variant is a strong candidate for a pathogenic variant however thepossibility it may be a rare benign variant cannot be excluded.

NM_022168.4(IFIH1):c.274G>A (p.Ala92Thr)

Gene: IFIH1 (interferon induced with helicase C domain 1; minus strand). Cytogenetic location: 2q24.2.
Variant type: single nucleotide variant.
Coding change: c.274G>A on transcript NM_022168.4 (MANE Select); coding-DNA position 274, G replaced by A.
Protein change: p.Ala92Thr; replaces alanine 92 with threonine.
Molecular consequence: missense variant.
Genome position (GRCh38, 1-based): chr2:162,318,034, C>T on the plus strand (G>A on the coding strand, the complement: IFIH1 is on the minus strand). VCF-style: chr2-162318034-C-T. GRCh37 (hg19) VCF-style: chr2-163174544-C-T.
Other names: c.274G>A, p.Ala92Thr (LRG_1235t1); short protein forms A92T.
Identifiers: ClinVar variation 391839 (VCV000391839.2), dbSNP rs1057524257, ClinGen allele CA16603903.